The following is an entry in ClinVar:

ClinVar aggregate classification (germline): Uncertain significance (1 of 4 stars; one submission).

Allele frequency attached by ClinVar (database versions not stated): gnomAD exomes below 0.00001; TOPMed below 0.00001; gnomAD 0.00001.
gnomAD v4.1: 4 of 1,614,040 alleles (0.00025%); highest among the groups gnomAD compares: Non-Finnish European, 0.00017%; no homozygotes.

Submission:

GeneDx
Classification: Uncertain significance. Last evaluated: 2022-10-07. Review status: criteria provided, single submitter. Criteria: GeneDx Variant Classification Process June 2021. Collection method: clinical testing. Allele origin: germline. Affected: yes.
Comment: Not observed at significant frequency in large population cohorts (gnomAD); In silico analysis supports that this missense variant does not alter protein structure/function; Has not been previously published as pathogenic or benign to our knowledge

NM_020381.4(PDSS2):c.163G>C (p.Glu55Gln)

Gene: PDSS2 (decaprenyl diphosphate synthase subunit 2; minus strand). Cytogenetic location: 6q21.
Variant type: single nucleotide variant.
Coding change: c.163G>C on transcript NM_020381.4 (MANE Select); coding-DNA position 163, G replaced by C.
Protein change: p.Glu55Gln; replaces glutamic acid 55 with glutamine.
Molecular consequence: missense variant.
Genome position (GRCh38, 1-based): chr6:107,459,123, C>G on the plus strand (G>C on the coding strand, the complement: PDSS2 is on the minus strand). VCF-style: chr6-107459123-C-G. GRCh37 (hg19) VCF-style: chr6-107780327-C-G.
Other names: short protein forms E55Q.
Identifiers: ClinVar variation 2497848 (VCV002497848.1), dbSNP rs1389652025, ClinGen allele CA365325973.